The following is an entry in ClinVar:

ClinVar aggregate classification (germline): Benign/Likely benign. Review status: criteria provided, multiple submitters, no conflicts (2 of 4 stars). 7 submissions from 7 submitters: Benign (1); Likely benign (5). 1 of the submissions does not count toward it. Last evaluated 2024-06-27.

Conditions:
Lymphangiomyomatosis (LAM). Also called: Lymphangioleiomyomatosis; Lymphangioleiomyomatosis, somatic. Identifiers: Orphanet 538, MedGen C0751674, MONDO:0011705, OMIM 606690.
Tuberous sclerosis 2 (TSC2). Identifiers: Orphanet 805, MedGen C1860707, MONDO:0013199, OMIM 613254.
Isolated focal cortical dysplasia type II (FCORD2). Also called: CORTICAL DYSPLASIA OF TAYLOR; Focal cortical dysplasia type II. Identifiers: Orphanet 268994, MedGen C1846385, MONDO:0011818, OMIM 607341, HP:0032051.
Tuberous sclerosis syndrome (TSC). Also called: Tuberous Sclerosis Complex; Tuberous sclerosis. Identifiers: Orphanet 805, MedGen C0041341, MONDO:0001734.

Allele frequency attached by ClinVar (database versions not stated): gnomAD 0.00011 and 0.00012; TOPMed 0.00011; gnomAD exomes 0.00026 and 0.00012; ExAC 0.00018.
gnomAD v4.1: 387 of 1,598,300 alleles (0.024%); highest among the groups gnomAD compares: Non-Finnish European, 0.032%; no homozygotes.

Submissions (7):

Blueprint Genetics
Classification: Likely benign. Last evaluated: 2024-06-27. Review status: criteria provided, single submitter. Criteria: ACMG Guidelines, 2015. Collection method: clinical testing. Allele origin: germline.

Genome-Nilou Lab
Classification: Benign for Tuberous sclerosis 2. Last evaluated: 2021-11-07. Review status: criteria provided, single submitter. Criteria: ACMG Guidelines, 2015. Collection method: clinical testing. Allele origin: germline. Affected: no.

Fulgent Genetics
Classification: Likely benign for Lymphangiomyomatosis; Isolated focal cortical dysplasia type II; Tuberous sclerosis 2. Last evaluated: 2021-10-07. Review status: criteria provided, single submitter. Criteria: ACMG Guidelines, 2015. Collection method: clinical testing. Allele origin: unknown.

ARUP Laboratories, Molecular Genetics and Genomics, ARUP Laboratories
Classification: Likely benign. Last evaluated: 2019-06-21. Review status: criteria provided, single submitter. Criteria: ARUP Molecular Germline Variant Investigation Process. Collection method: clinical testing. Allele origin: germline.

GeneDx
Classification: Likely benign. Last evaluated: 2016-09-29. Review status: criteria provided, single submitter. Criteria: GeneDx Variant Classification (06012015). Collection method: clinical testing. Allele origin: germline. Affected: yes.
Comment: This variant is considered likely benign or benign based on one or more of the following criteria: it is a conservative change, it occurs at a poorly conserved position in the protein, it is predicted to be benign by multiple in silico algorithms, and/or has population frequency not consistent with disease.

PreventionGenetics, part of Exact Sciences
Classification: Likely benign. Review status: criteria provided, single submitter. Criteria: ACMG Guidelines, 2015. Collection method: clinical testing. Allele origin: germline.

Tuberous sclerosis database (TSC2)
No classification provided. Condition: TSC. Review status: no classification provided. Criteria: Tuberous Sclerosis Database Assertion Criteria 2015. Collection method: curation. Allele origin: germline. Affected: yes. Not counted in ClinVar's aggregate classification.

NM_000548.5(TSC2):c.4493+16C>G

Gene: TSC2 (TSC complex subunit 2; plus strand). Cytogenetic location: 16p13.3.
Variant type: single nucleotide variant.
Coding change: c.4493+16C>G on transcript NM_000548.5 (MANE Select); 16 bases into the intron after coding-DNA position 4493, C replaced by G.
Molecular consequence: intron variant.
Genome position (GRCh38, 1-based): chr16:2,084,731, C>G. VCF-style: chr16-2084731-C-G. GRCh37 (hg19) VCF-style: chr16-2134732-C-G.
Other names: c.4424+16C>G (NM_001114382.3); c.4364+16C>G (NM_021055.3, NM_001370405.1); c.4295+16C>G (NM_001363528.2); c.4361+16C>G (NM_001370404.1); c.4292+16C>G (NM_001077183.3); c.4184+16C>G (NM_001318827.2); c.3761+16C>G (NM_001318831.2); c.4148+16C>G (NM_001318829.2); and 1 more.
Identifiers: ClinVar variation 49791 (VCV000049791.15), dbSNP rs45491597, ClinGen allele CA020520.
Genomic context (GRCh38, chr16:2,084,731, plus strand): 5'-AGCCACAGCCTCCAATGCAGAGAAAGTGCCAGGCATCAACCCCAGGTGGGCCTCTTGCTT[C>G]CGGGCGGGGCTCCTGACACCTCTCCTGCGGGAACCTGGTGCCTCACTTGCCCCAGGCCGA-3'